The following is an entry in ClinVar:

NM_018116.4(MSTO1):c.1A>C (p.Met1Leu)

Gene: MSTO1 (misato mitochondrial distribution and morphology regulator 1; plus strand). Cytogenetic location: 1q22.
Variant type: single nucleotide variant.
Coding change: c.1A>C on transcript NM_018116.4 (MANE Select); coding-DNA position 1, A replaced by C.
Protein change: p.Met1Leu; changes the start codon (methionine 1).
Molecular consequence: missense variant, initiator codon variant. On other transcripts: 5 prime UTR variant (14), non-coding transcript variant (6).
Genome position (GRCh38, 1-based): chr1:155,610,249, A>C. VCF-style: chr1-155610249-A-C. GRCh37 (hg19) VCF-style: chr1-155580040-A-C.
Other names: c.1A>C, p.Met1Leu (NM_001256532.1, NM_001256533.1, NM_001350772.1 and 3 more transcripts); c.-287A>C (NM_001350776.1); c.-556A>C (NM_001350777.1); c.-620A>C (NM_001350778.1); c.-561A>C (NM_001350779.1); c.-672A>C (NM_001350780.1); c.-1073A>C (NM_001350781.1); c.-598A>C (NM_001350782.1, NM_001350783.1, NM_001350786.1 and 1 more transcripts); and 4 more; short protein forms M1L.
Identifiers: ClinVar variation 2229213 (VCV002229213.3), dbSNP rs955399709, ClinGen allele CA30936182.
Genomic context (GRCh38, chr1:155,610,249, plus strand): 5'-ATCGGCTAGGAGCAGCGAGCGGCGCGGCTGAGGCGCGGCGGCCCCGTGGAGCAGCGCAGT[A>C]TGGCGGGCGGGGCCCGGGAGGTGCTCACACTGCAGTTGGGACATTTTGCCGGTTTCGTGG-3'
Protein context (NP_060586.2, residues 1-11): [Met1Leu]AGGAREVLTL

ClinVar aggregate classification (germline): Likely pathogenic (1 of 4 stars; one submission).

Conditions:
Inborn genetic diseases. Identifiers: MedGen C0950123, MeSH D030342.

Allele frequency attached by ClinVar (database versions not stated): TOPMed 0.00001; gnomAD 0.00003.

Submission:

Ambry Genetics
Classification: Likely pathogenic for Inborn genetic diseases. Last evaluated: 2021-02-18. Review status: criteria provided, single submitter. Criteria: Ambry Variant Classification Scheme 2023. Collection method: clinical testing. Allele origin: germline.
Comment: The c.1A>C (p.M1?) alteration is located in coding exon 1 of the MSTO1 gene and results from an A to C substitution at nucleotide position 1. This alters the methionine residue at the initiation codon (ATG). Sequence variations that modify the initiation codon are expected to result in either loss of translation initiation, N-terminal truncation, or cause a shift in the mRNA reading frame. Based on data from the Genome Aggregation Database (gnomAD) database, the MSTO1 c.1A>C alteration was observed in 0% (1/101208) of total alleles studied. This amino acid position is highly conserved in available vertebrate species. Based on the available evidence, this alteration is classified as likely pathogenic.